The following is an entry in ClinVar:

ClinVar aggregate classification (germline): Uncertain significance (1 of 4 stars; one submission).

Conditions:
Immunodeficiency 39 (IMD39). Identifiers: Orphanet 574918, MedGen C4225358, MONDO:0014597, OMIM 616345.

gnomAD v4.1: 2 of 1,577,454 alleles (0.00013%); highest among the groups gnomAD compares: Non-Finnish European, 0.00017%; no homozygotes.

Submission:

Labcorp Genetics (formerly Invitae), Labcorp
Classification: Uncertain significance for Immunodeficiency 39. Last evaluated: 2025-12-14. Review status: criteria provided, single submitter. Criteria: Invitae Variant Classification Sherloc (09022015). Collection method: clinical testing. Allele origin: germline.
Comment: This sequence change replaces aspartic acid, which is acidic and polar, with glycine, which is neutral and non-polar, at codon 12 of the IRF7 protein (p.Asp12Gly). This variant is not present in population databases (gnomAD no frequency). This variant has not been reported in the literature in individuals affected with IRF7-related conditions. ClinVar contains an entry for this variant (Variation ID: 2061550). An algorithm developed to predict the effect of missense changes on protein structure and function (PolyPhen-2) suggests that this variant is likely to be tolerated. In summary, the available evidence is currently insufficient to determine the role of this variant in disease. Therefore, it has been classified as a Variant of Uncertain Significance.

NM_001572.5(IRF7):c.21-25A>G

Gene: IRF7 (interferon regulatory factor 7; minus strand). Cytogenetic location: 11p15.5.
Variant type: single nucleotide variant.
Coding change: c.21-25A>G on transcript NM_001572.5 (MANE Select); 25 bases into the intron before coding-DNA position 21, A replaced by G.
Molecular consequence: intron variant. On other transcripts: missense variant (1).
Genome position (GRCh38, 1-based): chr11:615,284, T>C on the plus strand (A>G on the coding strand, the complement: IRF7 is on the minus strand). VCF-style: chr11-615284-T-C. GRCh37 (hg19) VCF-style: chr11-615284-T-C.
Other names: c.35A>G, p.Asp12Gly (NM_004031.4); c.21-25A>G (NM_004029.4); short protein forms D12G.
Identifiers: ClinVar variation 2061550 (VCV002061550.4), dbSNP rs2493951974, ClinGen allele CA378985231.